The following is an entry in ClinVar:

NM_015057.5(MYCBP2):c.12822A>C (p.Leu4274Phe)

Gene: MYCBP2 (MYC binding protein 2; minus strand). Cytogenetic location: 13q22.3.
Variant type: single nucleotide variant.
Coding change: c.12822A>C on transcript NM_015057.5 (MANE Select); coding-DNA position 12822, A replaced by C.
Protein change: p.Leu4274Phe; replaces leucine 4274 with phenylalanine.
Molecular consequence: missense variant.
Genome position (GRCh38, 1-based): chr13:77,061,743, T>G on the plus strand (A>C on the coding strand, the complement: MYCBP2 is on the minus strand). VCF-style: chr13-77061743-T-G. GRCh37 (hg19) VCF-style: chr13-77635878-T-G.
Other names: short protein forms L4274F.
Identifiers: ClinVar variation 3907900 (VCV003907900.1).

ClinVar aggregate classification (germline): Uncertain significance (1 of 4 stars; one submission).

Submission:

GeneDx
Classification: Uncertain significance. Last evaluated: 2024-12-25. Review status: criteria provided, single submitter. Criteria: GeneDx Variant Classification Process June 2021. Collection method: clinical testing. Allele origin: germline. Affected: yes.
Comment: Not observed at significant frequency in large population cohorts (gnomAD); In silico analysis indicates that this missense variant does not alter protein structure/function; Has not been previously published as pathogenic or benign to our knowledge